The following is an entry in ClinVar:

NM_020937.4(FANCM):c.4499G>T (p.Arg1500Ile)

Gene: FANCM (FA complementation group M; plus strand). Cytogenetic location: 14q21.2.
Variant type: single nucleotide variant.
Coding change: c.4499G>T on transcript NM_020937.4 (MANE Select); coding-DNA position 4499, G replaced by T.
Protein change: p.Arg1500Ile; replaces arginine 1500 with isoleucine.
Molecular consequence: missense variant.
Genome position (GRCh38, 1-based): chr14:45,183,886, G>T. VCF-style: chr14-45183886-G-T. GRCh37 (hg19) VCF-style: chr14-45653089-G-T.
Other names: c.4421G>T, p.Arg1474Ile (NM_001308133.2); short protein forms R1500I, R1474I.
Identifiers: ClinVar variation 5021501 (VCV005021501.1).

ClinVar aggregate classification (germline): Uncertain significance (1 of 4 stars; one submission).

Conditions:
Inborn genetic diseases. Identifiers: MedGen C0950123, MeSH D030342.

Submission:

Ambry Genetics
Classification: Uncertain significance for Inborn genetic diseases. Last evaluated: 2026-08-16. Review status: criteria provided, single submitter. Criteria: Ambry Variant Classification Scheme 2023. Collection method: clinical testing. Allele origin: germline.
Comment: The p.R1500I variant (also known as c.4499G>T), located in coding exon 17 of the FANCM gene, results from a G to T substitution at nucleotide position 4499. The arginine at codon 1500 is replaced by isoleucine, an amino acid with similar properties. This amino acid position is conserved. In addition, this alteration is predicted to be tolerated by in silico analysis. Based on the available evidence, the clinical significance of this variant remains unclear.